The following is an entry in ClinVar:

NM_017534.6(MYH2):c.1333C>T (p.Arg445Cys)

Genes: MYHAS (myosin heavy chain gene cluster antisense RNA; plus strand), MYH2 (myosin heavy chain 2; minus strand). Cytogenetic location: 17p13.1.
Variant type: single nucleotide variant.
Coding change: c.1333C>T on transcript NM_017534.6 (MANE Select); coding-DNA position 1333, C replaced by T.
Protein change: p.Arg445Cys; replaces arginine 445 with cysteine.
Molecular consequence: missense variant.
Genome position (GRCh38, 1-based): chr17:10,539,288, G>A on the plus strand (C>T on the coding strand, the complement: MYH2 is on the minus strand). VCF-style: chr17-10539288-G-A. GRCh37 (hg19) VCF-style: chr17-10442605-G-A.
Other names: c.1333C>T, p.Arg445Cys (NM_001100112.2); short protein forms R445C.
Identifiers: ClinVar variation 848918 (VCV000848918.9), dbSNP rs752702044, ClinGen allele CA8391390.

ClinVar aggregate classification (germline): Conflicting classifications of pathogenicity. Review status: criteria provided, conflicting classifications (1 of 4 stars). 2 submissions from 2 submitters: Likely pathogenic (1); Uncertain significance (1). Last evaluated 2025-07-27.

Conditions:
Myopathy, proximal, and ophthalmoplegia (CMYO6). Also called: MYOPATHY WITH CONGENITAL JOINT CONTRACTURES, OPHTHALMOPLEGIA, AND RIMMED VACUOLES; INCLUSION BODY MYOPATHY 3, AUTOSOMAL DOMINANT; CONGENITAL MYOPATHY 6 WITH OPHTHALMOPLEGIA. Identifiers: Orphanet 363677, Orphanet 79091, MedGen C1854106, MONDO:0011577, OMIM 605637.

Allele frequency attached by ClinVar (database versions not stated): gnomAD exomes 0.00001 and 0.00002; TOPMed 0.00001; ExAC 0.00003; gnomAD 0.00003.

Submissions (2):

Labcorp Genetics (formerly Invitae), Labcorp
Classification: Uncertain significance for Myopathy, proximal, and ophthalmoplegia. Last evaluated: 2025-07-27. Review status: criteria provided, single submitter. Criteria: Invitae Variant Classification Sherloc (09022015). Collection method: clinical testing. Allele origin: germline.
Comment: This sequence change replaces arginine, which is basic and polar, with cysteine, which is neutral and slightly polar, at codon 445 of the MYH2 protein (p.Arg445Cys). This variant is present in population databases (rs752702044, gnomAD 0.01%). This missense change has been observed in individual(s) with myopathy (PMID: 24193343). In at least one individual the data is consistent with being in trans (on the opposite chromosome) from a pathogenic variant. ClinVar contains an entry for this variant (Variation ID: 848918). Invitae Evidence Modeling of protein sequence and biophysical properties (such as structural, functional, and spatial information, amino acid conservation, physicochemical variation, residue mobility, and thermodynamic stability) indicates that this missense variant is expected to disrupt MYH2 protein function with a positive predictive value of 80%. In summary, the available evidence is currently insufficient to determine the role of this variant in disease. Therefore, it has been classified as a Variant of Uncertain Significance.

Juno Genomics, Hangzhou Juno Genomics, Inc
Classification: Likely pathogenic for Myopathy, proximal, and ophthalmoplegia. Review status: criteria provided, single submitter. Criteria: ACMG Guidelines, 2015. Collection method: clinical testing. Allele origin: germline.
Comment: Absent from controls (or at extremely low frequency if recessive) in Genome Aggregation Database.;Multiple lines of computational evidence support a deleterious effect on the gene or gene product.;Missense variant in a gene that has a low rate of benign missense variation.;For recessive disorders, detected in trans with a pathogenic variant.

Literature cited by the submitters: PubMed 24193343 (cited by Labcorp Genetics (formerly Invitae), Labcorp).